The following is an entry in ClinVar:

ClinVar aggregate classification (germline): Uncertain significance. Review status: criteria provided, multiple submitters, no conflicts (2 of 4 stars). 3 submissions from 3 submitters: Uncertain significance (3). Last evaluated 2025-10-20.

Conditions:
Benign neonatal seizures. Also called: Benign familial neonatal seizures; Benign familial neonatal epilepsy; Convulsions benign familial neonatal dominant form; Autosomal dominant form of benign neonatal seizures; Benign neonatal familial convulsions. Identifiers: Orphanet 1949, MedGen C0220669, MONDO:0016027.
Seizures, benign familial neonatal, 2. Also called: CONVULSIONS, BENIGN FAMILIAL NEONATAL, 2; Benign Neonatal Epilepsy 2; KCNQ3-Related Self-Limited Familial Neonatal Epilepsy (SLFNE); KCNQ3-Related Benign Familial Neonatal Epilepsy; Seizures, benign neonatal, 2. Identifiers: Orphanet 1949, MedGen C1852581, MONDO:0007366, OMIM 121201.

Submissions (3):

Labcorp Genetics (formerly Invitae), Labcorp
Classification: Uncertain significance for Benign neonatal seizures. Last evaluated: 2025-10-20. Review status: criteria provided, single submitter. Criteria: Invitae Variant Classification Sherloc (09022015). Collection method: clinical testing. Allele origin: germline.
Comment: This sequence change replaces glutamic acid, which is acidic and polar, with methionine, which is neutral and non-polar, at codon 417 of the KCNQ3 protein (p.Glu417Met). This variant is present in population databases (no rsID available, gnomAD 0.003%). This variant has not been reported in the literature in individuals affected with KCNQ3-related conditions. ClinVar contains an entry for this variant (Variation ID: 450849). An algorithm developed to predict the effect of missense changes on protein structure and function (PolyPhen-2) suggests that this variant is likely to be tolerated. In summary, the available evidence is currently insufficient to determine the role of this variant in disease. Therefore, it has been classified as a Variant of Uncertain Significance.

Fulgent Genetics
Classification: Uncertain significance for Seizures, benign familial neonatal, 2. Last evaluated: 2018-10-31. Review status: criteria provided, single submitter. Criteria: ACMG Guidelines, 2015. Collection method: clinical testing. Allele origin: unknown.

GeneDx
Classification: Uncertain significance. Last evaluated: 2017-07-21. Review status: criteria provided, single submitter. Criteria: GeneDx Variant Classification (06012015). Collection method: clinical testing. Allele origin: germline. Affected: yes.
Comment: A variant of uncertain significance has been identified in the KCNQ3 gene. The c.1249_1250delGAinsAT variant has not been published as a pathogenic variant, nor has it been reported as a benign variant to our knowledge. The c.1249_1250delGAinsAT variant is not observed in large population cohorts (Lek et al., 2016; 1000 Genomes Consortium et al., 2015; Exome Variant Server). The c.1249_1250delGAinsAT variant results in an in-frame deletion of a single Glutamic acid residue and the insertion of a single Methionine residue, denoted p.E417M. This variant is a non-conservative amino acid substitution, which is likely to impact secondary protein structure as these residues differ in polarity, charge, size and/or other properties. This substitution alters residues that are conserved in mammals. In silico analysis predicts this variant is probably damaging to the protein structure/function. Therefore, based on the currently available information, it is unclear whether this variant is a pathogenic variant or a rare benign variant.

NM_004519.4(KCNQ3):c.1249_1250delinsAT (p.Glu417Met)

Gene: KCNQ3 (potassium voltage-gated channel subfamily Q member 3; minus strand). Cytogenetic location: 8q24.22.
Variant type: Indel.
Coding change: c.1249_1250delinsAT on transcript NM_004519.4 (MANE Select); coding-DNA positions 1249 to 1250, GA replaced by AT.
Protein change: p.Glu417Met; replaces glutamic acid 417 with methionine.
Molecular consequence: missense variant.
Genome position (GRCh38, 1-based): chr8:132,163,480-132,163,481, TC replaced by AT on the plus strand (GA replaced by AT on the coding strand, the reverse complement: KCNQ3 is on the minus strand). VCF-style: chr8-132163480-TC-AT. GRCh37 (hg19) VCF-style: chr8-133175727-TC-AT.
Other names: c.889_890delinsAT, p.Glu297Met (NM_001204824.2); short protein forms E417M, E297M.
Identifiers: ClinVar variation 450849 (VCV000450849.8), dbSNP rs1554625699, ClinGen allele CA658657825.